The following is an entry in ClinVar:

ClinVar aggregate classification (germline): Uncertain significance (1 of 4 stars; one submission).

Submission:

Labcorp Genetics (formerly Invitae), Labcorp
Classification: Uncertain significance. Last evaluated: 2026-02-02. Review status: criteria provided, single submitter. Criteria: Invitae Variant Classification Sherloc (09022015). Collection method: clinical testing. Allele origin: germline.
Comment: This sequence change affects the initiator codon of the LIG1 mRNA. This change may impact translation initiation or efficiency. The next in-frame methionine is located at codon 6. This variant is not present in population databases (gnomAD no frequency). This variant has not been reported in the literature in individuals affected with LIG1-related conditions. In summary, the available evidence is currently insufficient to determine the role of this variant in disease. Therefore, it has been classified as a Variant of Uncertain Significance.

NM_000234.3(LIG1):c.-8_17+1del

Gene: LIG1 (DNA ligase 1; minus strand). Cytogenetic location: 19q13.33.
Variant type: Deletion.
Coding change: c.-8_17+1del on transcript NM_000234.3 (MANE Select); 8 bases upstream of the start codon through the canonical splice donor site of the intron after coding-DNA position 17, 26 bases deleted (ACGCCAACATGCAGCGAAGTATCATG).
Molecular consequence: splice donor variant, initiator codon variant.
Genome position (GRCh38, 1-based): chr19:48,165,549-48,165,574, CATGATACTTCGCTGCATGTTGGCGT deleted on the plus strand (ACGCCAACATGCAGCGAAGTATCATG on the coding strand, the reverse complement: LIG1 is on the minus strand); deleting any 26 consecutive bases within chr19:48,165,549-48,165,576 gives the same sequence; the c. name uses the placement nearest the transcript's 3' end. VCF-style (leftmost placement, unchanged base first): chr19-48165548-ACATGATACTTCGCTGCATGTTGGCGT-A. GRCh37 (hg19) VCF-style: chr19-48668805-ACATGATACTTCGCTGCATGTTGGCGT-A.
Other names: c.-8_17+1del (NM_001289063.2, NM_001320971.2, NM_001289064.2 and 1 more transcripts).
Identifiers: ClinVar variation 4736266 (VCV004736266.1).